The following is an entry in ClinVar:

ClinVar aggregate classification (germline): Pathogenic. Review status: criteria provided, multiple submitters, no conflicts (2 of 4 stars). 8 submissions from 7 submitters: Pathogenic (3). 5 of the submissions do not count toward it. Last evaluated 2023-01-23.

Conditions:
Tuberous sclerosis syndrome (TSC). Also called: Tuberous Sclerosis Complex; Tuberous sclerosis. Identifiers: Orphanet 805, MedGen C0041341, MONDO:0001734.
Tuberous sclerosis 2 (TSC2). Identifiers: Orphanet 805, MedGen C1860707, MONDO:0013199, OMIM 613254.
Lymphangiomyomatosis (LAM). Also called: Lymphangioleiomyomatosis; Lymphangioleiomyomatosis, somatic. Identifiers: Orphanet 538, MedGen C0751674, MONDO:0011705, OMIM 606690.

Submissions (8):

Kasturba Medical College, Manipal, Kasturba Medical College, Manipal, Manipal Academy of Higher Education, Manipal, India
Classification: Pathogenic for Tuberous sclerosis 2. Last evaluated: 2023-01-23. Review status: criteria provided, single submitter. Criteria: ACMG Guidelines, 2015. Collection method: clinical testing. Allele origin: de novo. Affected: yes.

GeneDx
Classification: Pathogenic. Last evaluated: 2017-06-20. Review status: criteria provided, single submitter. Criteria: GeneDx Variant Classification (06012015). Collection method: clinical testing. Allele origin: germline. Affected: yes.
Comment: The E366X nonsense variant in the TSC2 gene has been reported multiple times previously in association with TSC (Dabora et al., 2001; TSC2 LOVD). This pathogenic variant is predicted to cause loss of normal protein function either through protein truncation or nonsense-mediated mRNA decay. The E366X variant is not observed in large population cohorts (Lek et al., 2016; 1000 Genomes Consortium et al., 2015; Exome Variant Server).

Oasi Research Institute-IRCCS
Classification: Pathogenic for Tuberous sclerosis 2. Review status: criteria provided, single submitter. Criteria: ACMG Guidelines, 2015. Collection method: research. Allele origin: de novo. Affected: yes.
Comment: This variant creates a premature translational stop signal. It is expected to result in an protein truncation or nonsense mediated decay. Diverse tools classified the variant as pathogenic: BayesDel addAF; BayesDel noAF; EIGEN; FATHMM-XF; MutationTaster. ACMG criteria: PVS1 (LOF), PP4 (phenotype match), PM2 (absent from control), PP3 (in silico evidence), PS2 (de novo) = Pathogenic. Based on the evidence outlined above, the variant was classified as Pathogenic.

deCODE genetics, Amgen
Classification: Likely pathogenic for Tuberous sclerosis 2. Last evaluated: 2023-07-21. Review status: no assertion criteria provided. Collection method: research. Allele origin: germline. Affected: yes. Observed: 1 variant allele. Not counted in ClinVar's aggregate classification.
Comment: The variant NM_000548.5:c.1096G>T (chr16:2060790) in TSC2 was detected in 1 heterozygote out of 58K WGS Icelanders (MAF= 0,001%). This variant has been reported in ClinVar previously as pathogenic. Based on ACMG criteria (PVS1, PM2) this variant classifies as likely pathogenic.

Division of Genomic Medicine, Department of Advanced Medicine, Medical Research Institute, Kanazawa Medical University
Classification: Pathogenic for Tuberous sclerosis 2. Last evaluated: 2020-06-11. Review status: no assertion criteria provided. Collection method: clinical testing. Allele origin: germline. Affected: yes. Observed: 1 variant allele. Not counted in ClinVar's aggregate classification.

OMIM
Classification: Pathogenic for LYMPHANGIOLEIOMYOMATOSIS, SOMATIC. Last evaluated: 2000-05-23. Review status: no assertion criteria provided. Collection method: literature only. Allele origin: somatic. Not counted in ClinVar's aggregate classification.

Tuberous sclerosis database (TSC2)
No classification provided. Condition: TSC. Review status: no classification provided. Criteria: Tuberous Sclerosis Database Assertion Criteria 2015. Collection method: curation. Allele origin: germline. Affected: yes. Not counted in ClinVar's aggregate classification.

Tuberous sclerosis database (TSC2)
No classification provided. Condition: LAM. Review status: no classification provided. Criteria: Tuberous Sclerosis Database Assertion Criteria 2015. Collection method: curation. Allele origin: germline. Affected: yes. Not counted in ClinVar's aggregate classification.

Literature cited by the submitters: PubMed 10823953 (cited by OMIM).

NM_000548.5(TSC2):c.1096G>T (p.Glu366Ter)

Gene: TSC2 (TSC complex subunit 2; plus strand). Cytogenetic location: 16p13.3.
Variant type: single nucleotide variant.
Coding change: c.1096G>T on transcript NM_000548.5 (MANE Select); coding-DNA position 1096, G replaced by T.
Protein change: p.Glu366Ter; replaces glutamic acid 366 with a stop codon.
Molecular consequence: nonsense.
Genome position (GRCh38, 1-based): chr16:2,060,790, G>T. VCF-style: chr16-2060790-G-T. GRCh37 (hg19) VCF-style: chr16-2110791-G-T.
Other names: c.1096G>T, p.Glu366Ter (NM_001077183.3, NM_001114382.3, NM_001363528.2 and 3 more transcripts); c.985G>T, p.Glu329Ter (NM_001318827.2); c.949G>T, p.Glu317Ter (NM_001318829.2); c.496G>T, p.Glu166Ter (NM_001318831.2); c.1129G>T, p.Glu377Ter (NM_001318832.2); short protein forms E366*, E329*, E166*, E317*, E377*.
Identifiers: ClinVar variation 12400 (VCV000012400.22), dbSNP rs45517148, ClinGen allele CA013758.